The following is an entry in ClinVar:

NM_001142800.2(EYS):c.6725+10G>A

Gene: EYS (EGF-like photoreceptor maintenance factor; minus strand). Cytogenetic location: 6q12.
Variant type: single nucleotide variant.
Coding change: c.6725+10G>A on transcript NM_001142800.2 (MANE Select); 10 bases into the intron after coding-DNA position 6725, G replaced by A.
Molecular consequence: intron variant.
Genome position (GRCh38, 1-based): chr6:64,066,328, C>T on the plus strand (G>A on the coding strand, the complement: EYS is on the minus strand). VCF-style: chr6-64066328-C-T. GRCh37 (hg19) VCF-style: chr6-64776221-C-T.
Other names: c.6725+10G>A (NM_001292009.2).
Identifiers: ClinVar variation 711977 (VCV000711977.15), dbSNP rs140506043, ClinGen allele CA3876886.

ClinVar aggregate classification (germline): Benign/Likely benign. Review status: criteria provided, multiple submitters, no conflicts (2 of 4 stars). 4 submissions from 4 submitters: Benign (1); Likely benign (2). 1 of the submissions does not count toward it. Last evaluated 2026-01-25.

Conditions:
Retinitis pigmentosa 25 (RP25). Identifiers: Orphanet 791, MedGen C1864446, MONDO:0011272, OMIM 602772.

Allele frequency attached by ClinVar (database versions not stated): gnomAD exomes 0.00031 and 0.00077; ExAC 0.00140; 1000 Genomes Project 30x 0.00297; 1000 Genomes Project 0.00300; gnomAD 0.00325 and 0.00353; TOPMed 0.00356; ESP Exome Variant Server 0.00394.
gnomAD v4.1: 940 of 1,544,926 alleles (0.061%); highest among the groups gnomAD compares: African/African-American, 1.1%; 9 homozygotes.

Submissions (4):

Labcorp Genetics (formerly Invitae), Labcorp
Classification: Benign. Last evaluated: 2026-01-25. Review status: criteria provided, single submitter. Criteria: Invitae Variant Classification Sherloc (09022015). Collection method: clinical testing. Allele origin: germline.

Blueprint Genetics
Classification: Likely benign. Last evaluated: 2024-11-25. Review status: criteria provided, single submitter. Criteria: ACMG Guidelines, 2015. Collection method: clinical testing. Allele origin: germline.

Laboratorio de Genetica e Diagnostico Molecular, Hospital Israelita Albert Einstein
Classification: Likely benign. Last evaluated: 2019-12-25. Review status: criteria provided, single submitter. Criteria: ACMG Guidelines, 2015. Collection method: clinical testing. Allele origin: germline. Affected: yes.
Comment: ACMG classification criteria: BS1, BP4

Natera, Inc.
Classification: Likely benign for Retinitis pigmentosa type 25. Last evaluated: 2020-06-05. Review status: no assertion criteria provided. Collection method: clinical testing. Allele origin: germline. Not counted in ClinVar's aggregate classification.